The following is an entry in ClinVar:

ClinVar aggregate classification (germline): Uncertain significance (1 of 4 stars; one submission).

Conditions:
Leigh syndrome (NULS). Also called: Leigh's necrotizing encephalopathy; Leigh's disease; Leigh Syndrome (mtDNA deletion); Leigh Disease; Subacute necrotizing encephalopathy; Necrotizing encephalopathy infantile subacute of Leigh. Identifiers: Orphanet 506, MedGen C2931891, MONDO:0009723, OMIM 256000.

Submission:

Wong Mito Lab, Molecular and Human Genetics, Baylor College of Medicine
Classification: Uncertain significance for Leigh syndrome. Last evaluated: 2019-10-17. Review status: criteria provided, single submitter. Criteria: Modified ACMG Guidelines (Unpublished). Collection method: clinical testing. Allele origin: germline.
Comment: The NC_012920.1:m.9588G>A (YP_003024032.1:p.Glu128Lys) variant in MTCO3 gene is interpretated to be a Uncertain Significance variant based on the modified ACMG guidelines (unpublished). This variant meets the following evidence codes: PP6

NC_012920.1(MT-CO3):m.9588G>A

Gene: MT-CO3 (mitochondrially encoded cytochrome c oxidase III; plus strand).
Variant type: single nucleotide variant.
Genome position: chrM-9588-G-A.
Identifiers: ClinVar variation 693187 (VCV000693187.1), dbSNP rs1603222385, ClinGen allele CA414803267.